The following is an entry in ClinVar:

NM_152641.4(ARID2):c.4043A>G (p.Asp1348Gly)

Gene: ARID2 (AT-rich interaction domain 2; plus strand). Cytogenetic location: 12q12.
Variant type: single nucleotide variant.
Coding change: c.4043A>G on transcript NM_152641.4 (MANE Select); coding-DNA position 4043, A replaced by G.
Protein change: p.Asp1348Gly; replaces aspartic acid 1348 with glycine.
Molecular consequence: missense variant.
Genome position (GRCh38, 1-based): chr12:45,852,166, A>G. VCF-style: chr12-45852166-A-G. GRCh37 (hg19) VCF-style: chr12-46245949-A-G.
Other names: c.4043A>G, p.Asp1348Gly (NM_001347839.2); short protein forms D1348G.
Identifiers: ClinVar variation 1346982 (VCV001346982.6), dbSNP rs1429729468, ClinGen allele CA384489599.

ClinVar aggregate classification (germline): Uncertain significance (1 of 4 stars; one submission).

Submission:

Labcorp Genetics (formerly Invitae), Labcorp
Classification: Uncertain significance. Last evaluated: 2021-04-24. Review status: criteria provided, single submitter. Criteria: Invitae Variant Classification Sherloc (09022015). Collection method: clinical testing. Allele origin: germline.
Comment: This sequence change replaces aspartic acid with glycine at codon 1348 of the ARID2 protein (p.Asp1348Gly). The aspartic acid residue is moderately conserved and there is a moderate physicochemical difference between aspartic acid and glycine. This variant is not present in population databases (ExAC no frequency). This variant has not been reported in the literature in individuals with ARID2-related conditions. Algorithms developed to predict the effect of missense changes on protein structure and function are either unavailable or do not agree on the potential impact of this missense change (SIFT: "Deleterious"; PolyPhen-2: "Benign"; Align-GVGD: "Class C0"). Algorithms developed to predict the effect of sequence changes on RNA splicing suggest that this variant may create or strengthen a splice site, but this prediction has not been confirmed by published transcriptional studies. In summary, the available evidence is currently insufficient to determine the role of this variant in disease. Therefore, it has been classified as a Variant of Uncertain Significance.